The following is an entry in ClinVar:

NM_004360.5(CDH1):c.1746dup (p.Leu583fs)

Gene: CDH1 (cadherin 1; plus strand). Cytogenetic location: 16q22.1.
Variant type: Duplication.
Coding change: c.1746dup on transcript NM_004360.5 (MANE Select); coding-DNA position 1746, one base duplicated (G; older notation c.1746dupG).
Protein change: p.Leu583fs; shifts the reading frame from leucine 583.
Molecular consequence: frameshift variant. On other transcripts: 5 prime UTR variant (1).
Genome position (GRCh38, 1-based): chr16:68,822,035, G duplicated. VCF-style (leftmost placement, unchanged base first): chr16-68822034-T-TG. GRCh37 (hg19) VCF-style: chr16-68855937-T-TG.
Other names: NM_004360.5(CDH1):c.1746dup; p.Leu583fs; c.1746dup (LRG_301t1, NM_004360.4); c.1563dup, p.Leu522fs (NM_001317184.2); c.198dup, p.Leu67fs (NM_001317185.2); c.-220dup (NM_001317186.2); short protein forms L522fs, L583fs, L67fs.
Identifiers: ClinVar variation 428629 (VCV000428629.13), dbSNP rs1131690817, ClinGen allele CA645369677.

ClinVar aggregate classification (germline): Pathogenic. Review status: reviewed by expert panel (3 of 4 stars). 6 submissions from 6 submitters: Pathogenic (1). 5 of the submissions do not count toward it. Last evaluated 2023-08-04.

Conditions:
CDH1-related diffuse gastric and lobular breast cancer syndrome. Also called: CDH1-related diffuse gastric and lobular breast cancer. Identifiers: MedGen CN311521, MONDO:0100488.
Hereditary cancer-predisposing syndrome. Also called: Hereditary neoplastic syndrome; Tumor predisposition; Neoplastic Syndromes, Hereditary; Hereditary Cancer Syndrome. Identifiers: Orphanet 140162, MedGen C0027672, MeSH D009386, MONDO:0015356.
Hereditary diffuse gastric adenocarcinoma (HDGC). Also called: DIFFUSE GASTRIC AND LOBULAR BREAST CANCER SYNDROME. Identifiers: Orphanet 26106, MedGen C1708349, MONDO:0007648, OMIM 137215.

Submissions (6):

Clingen Gastric Cancer Variant Curation Expert Panel
Classification: Pathogenic for CDH1-related diffuse gastric and lobular breast cancer syndrome. Last evaluated: 2023-08-04. Review status: reviewed by expert panel. Criteria: ClinGen CDH1 ACMG Specifications V3.1. Collection method: curation. Allele origin: germline. Inheritance: Autosomal dominant inheritance.
Comment: The c.1746dup p.(Leu583fs) variant is predicted to result in a premature stop codon that leads to nonsense mediate decay (PVS1 and PM5_supporting). The variant is absent in the gnomAD cohort (PM2_supporting). Therefore, this variant meets criteria to be classified as pathogenic based on the ACMG/AMP criteria applied as specified by the CDH1 Variant Curation Expert Panel (CDH1 VCEP specifications version 3.1): PVS1, PM2_supporting, PM5_supporting.

Labcorp Genetics (formerly Invitae), Labcorp
Classification: Pathogenic for Hereditary diffuse gastric adenocarcinoma. Last evaluated: 2025-10-15. Review status: criteria provided, single submitter. Criteria: Invitae Variant Classification Sherloc (09022015). Collection method: clinical testing. Allele origin: germline. Not counted in ClinVar's aggregate classification.
Comment: This sequence change creates a premature translational stop signal (p.Leu583Alafs*5) in the CDH1 gene. It is expected to result in an absent or disrupted protein product. Loss-of-function variants in CDH1 are known to be pathogenic (PMID: 15235021, 20373070). This variant is not present in population databases (gnomAD no frequency). This premature translational stop signal has been observed in individual(s) with diffuse gastric cancer (PMID: 36436516). ClinVar contains an entry for this variant (Variation ID: 428629). For these reasons, this variant has been classified as Pathogenic.

Myriad Genetics, Inc.
Classification: Pathogenic for Hereditary diffuse gastric adenocarcinoma. Last evaluated: 2023-06-14. Review status: criteria provided, single submitter. Criteria: Myriad Autosomal Dominant, Autosomal Recessive and X-Linked Classification Criteria (2023). Collection method: clinical testing. Allele origin: unknown. Not counted in ClinVar's aggregate classification.
Comment: This variant is considered pathogenic. This variant creates a frameshift predicted to result in premature protein truncation.

Ambry Genetics
Classification: Pathogenic for Hereditary cancer-predisposing syndrome. Last evaluated: 2022-08-09. Review status: criteria provided, single submitter. Criteria: Ambry Variant Classification Scheme 2023. Collection method: clinical testing. Allele origin: germline. Not counted in ClinVar's aggregate classification.
Comment: The c.1746dupG pathogenic mutation, located in coding exon 12 of the CDH1 gene, results from a duplication of G at nucleotide position 1746, causing a translational frameshift with a predicted alternate stop codon (p.L582Lfs*6). This alteration is expected to result in loss of function by premature protein truncation or nonsense-mediated mRNA decay. As such, this alteration is interpreted as a disease-causing mutation.

European Reference Network on Genetic Tumour Risk Syndromes (ERN-GENTURIS), i3s - Instituto de Investigação e Inovação em Saúde, University of Porto
Classification: Pathogenic for Hereditary diffuse gastric adenocarcinoma. Last evaluated: 2022-08-01. Review status: criteria provided, single submitter. Criteria: Lee et al. (Hum Mutat. 2018). Collection method: clinical testing. Allele origin: germline. Inheritance: Autosomal dominant inheritance. Affected: yes. Study: ERN GENTURIS. Not counted in ClinVar's aggregate classification.
Comment: PVS1; PS4_Supporting; PM2 (PMID: 30311375)

GeneDx
Classification: Pathogenic. Last evaluated: 2018-05-01. Review status: criteria provided, single submitter. Criteria: GeneDx Variant Classification (06012015). Collection method: clinical testing. Allele origin: germline. Affected: yes. Not counted in ClinVar's aggregate classification.
Comment: This duplication of one nucleotide in CDH1 is denoted c.1746dupG at the cDNA level and p.Leu583AlafsX5 (L583AfsX5) at the protein level. The normal sequence, with the base that is duplicated in brackets, is TTCT[dupG]CTGA. The duplication causes a frameshift which changes a Leucine to an Alanine at codon 583, and creates a premature stop codon at position 5 of the new reading frame. This variant is predicted to cause loss of normal protein function through either protein truncation or nonsense-mediated mRNA decay. CDH1 c.1746dupG has been identified in at least one individual undergoing multigene cancer panel testing (LaDuca 2017). Based on currently available evidence, we consider this duplication to be pathogenic.

Literature cited by the submitters: PubMed 15235021 (cited by Labcorp Genetics (formerly Invitae), Labcorp); PubMed 20373070 (cited by Labcorp Genetics (formerly Invitae), Labcorp); PubMed 36436516 (cited by Labcorp Genetics (formerly Invitae), Labcorp and European Reference Network on Genetic Tumour Risk Syndromes (ERN-GENTURIS), i3s - Instituto de Investigação e Inovação em Saúde, University of Porto).